The following is an entry in ClinVar:

NM_001170629.2(CHD8):c.4921+7A>G

Gene: CHD8 (chromodomain helicase DNA binding protein 8; minus strand). Cytogenetic location: 14q11.2.
Variant type: single nucleotide variant.
Coding change: c.4921+7A>G on transcript NM_001170629.2 (MANE Select); 7 bases into the intron after coding-DNA position 4921, A replaced by G.
Molecular consequence: intron variant.
Genome position (GRCh38, 1-based): chr14:21,399,595, T>C on the plus strand (A>G on the coding strand, the complement: CHD8 is on the minus strand). VCF-style: chr14-21399595-T-C. GRCh37 (hg19) VCF-style: chr14-21867754-T-C.
Other names: c.4084+7A>G (NM_020920.4).
Identifiers: ClinVar variation 735401 (VCV000735401.18), dbSNP rs375587003, ClinGen allele CA7091117.
Genomic context (GRCh38, chr14:21,399,595, plus strand): 5'-GCTAAATGTTCCATCCGTGAACATAAATCTTCAGTCGGAAAGGAGTAGAATAGGAGAAGA[T>C]ACGTACCATGTTTAAAGACTCCAATGAGCAGCGACTTGTCAGCCTCACTGTCCCACCAAG-3'

ClinVar aggregate classification (germline): Benign/Likely benign. Review status: criteria provided, multiple submitters, no conflicts (2 of 4 stars). 4 submissions from 4 submitters: Benign (1); Likely benign (3). Last evaluated 2026-01-26.

Allele frequency attached by ClinVar (database versions not stated): ExAC 0.00095; gnomAD 0.00095 and 0.00100; gnomAD exomes 0.00125 and 0.00048; ESP Exome Variant Server 0.00008; TOPMed 0.00011; 1000 Genomes Project 30x 0.00016; 1000 Genomes Project 0.00020.
gnomAD v4.1: 848 of 1,598,422 alleles (0.053%); highest among the groups gnomAD compares: Middle Eastern, 0.05%; 3 homozygotes.

Submissions (4):

Labcorp Genetics (formerly Invitae), Labcorp
Classification: Benign. Last evaluated: 2026-01-26. Review status: criteria provided, single submitter. Criteria: Invitae Variant Classification Sherloc (09022015). Collection method: clinical testing. Allele origin: germline.

CeGaT Center for Human Genetics Tuebingen
Classification: Likely benign. Last evaluated: 2025-11-01. Review status: criteria provided, single submitter. Criteria: CeGaT Center For Human Genetics Tuebingen Variant Classification Criteria Version 2. Collection method: clinical testing. Allele origin: germline. Affected: yes. Observed: 2 variant alleles.
Comment: CHD8: BP4, BS1

Blueprint Genetics
Classification: Likely benign. Last evaluated: 2024-11-14. Review status: criteria provided, single submitter. Criteria: ACMG Guidelines, 2015. Collection method: clinical testing. Allele origin: germline.

GeneDx
Classification: Likely benign. Last evaluated: 2019-06-27. Review status: criteria provided, single submitter. Criteria: GeneDx Variant Classification Process June 2021. Collection method: clinical testing. Allele origin: germline. Affected: yes.